The following is an entry in ClinVar:

NM_001042492.3(NF1):c.438C>A (p.Ser146Arg)

Gene: NF1 (neurofibromin 1; plus strand). Cytogenetic location: 17q11.2.
Variant type: single nucleotide variant.
Coding change: c.438C>A on transcript NM_001042492.3 (MANE Select); coding-DNA position 438, C replaced by A.
Protein change: p.Ser146Arg; replaces serine 146 with arginine.
Molecular consequence: missense variant.
Genome position (GRCh38, 1-based): chr17:31,163,335, C>A. VCF-style: chr17-31163335-C-A. GRCh37 (hg19) VCF-style: chr17-29490353-C-A.
Other names: c.438C>A, p.Ser146Arg (NM_000267.4, NM_001128147.3); short protein forms S146R.
Identifiers: ClinVar variation 2110674 (VCV002110674.4), dbSNP rs2143673225, ClinGen allele CA398981948.

ClinVar aggregate classification (germline): Uncertain significance (1 of 4 stars; one submission).

Conditions:
Neurofibromatosis, type 1 (NF1). Also called: NEUROFIBROMATOSIS, TYPE I, SOMATIC; Neurofibromatosis, type I; Peripheral type neurofibromatosis; VON RECKLINGHAUSEN DISEASE. Identifiers: Orphanet 636, MedGen C0027831, MONDO:0018975, OMIM 162200. Disease mechanism: loss of function.

Submission:

Labcorp Genetics (formerly Invitae), Labcorp
Classification: Uncertain significance for Neurofibromatosis, type 1. Last evaluated: 2022-03-13. Review status: criteria provided, single submitter. Criteria: Invitae Variant Classification Sherloc (09022015). Collection method: clinical testing. Allele origin: germline.
Comment: This sequence change replaces serine, which is neutral and polar, with arginine, which is basic and polar, at codon 146 of the NF1 protein (p.Ser146Arg). This variant is not present in population databases (gnomAD no frequency). This variant has not been reported in the literature in individuals affected with NF1-related conditions. Advanced modeling of protein sequence and biophysical properties (such as structural, functional, and spatial information, amino acid conservation, physicochemical variation, residue mobility, and thermodynamic stability) performed at Invitae indicates that this missense variant is expected to disrupt NF1 protein function. In summary, the available evidence is currently insufficient to determine the role of this variant in disease. Therefore, it has been classified as a Variant of Uncertain Significance.